The following is an entry in ClinVar:

NM_000094.4(COL7A1):c.6391A>G (p.Arg2131Gly)

Gene: COL7A1 (collagen type VII alpha 1 chain; minus strand). Cytogenetic location: 3p21.31.
Variant type: single nucleotide variant.
Coding change: c.6391A>G on transcript NM_000094.4 (MANE Select); coding-DNA position 6391, A replaced by G.
Protein change: p.Arg2131Gly; replaces arginine 2131 with glycine.
Molecular consequence: missense variant.
Genome position (GRCh38, 1-based): chr3:48,574,679, T>C on the plus strand (A>G on the coding strand, the complement: COL7A1 is on the minus strand). VCF-style: chr3-48574679-T-C. GRCh37 (hg19) VCF-style: chr3-48612112-T-C.
Other names: short protein forms R2131G.
Identifiers: ClinVar variation 2008864 (VCV002008864.1), dbSNP rs2530952045, ClinGen allele CA352659031.

ClinVar aggregate classification (germline): Uncertain significance (1 of 4 stars; one submission).

Submission:

Labcorp Genetics (formerly Invitae), Labcorp
Classification: Uncertain significance. Last evaluated: 2022-07-01. Review status: criteria provided, single submitter. Criteria: Invitae Variant Classification Sherloc (09022015). Collection method: clinical testing. Allele origin: germline.
Comment: This sequence change replaces arginine, which is basic and polar, with glycine, which is neutral and non-polar, at codon 2131 of the COL7A1 protein (p.Arg2131Gly). This variant is not present in population databases (gnomAD no frequency). This variant has not been reported in the literature in individuals affected with COL7A1-related conditions. Advanced modeling of protein sequence and biophysical properties (such as structural, functional, and spatial information, amino acid conservation, physicochemical variation, residue mobility, and thermodynamic stability) performed at Invitae indicates that this missense variant is expected to disrupt COL7A1 protein function. In summary, the available evidence is currently insufficient to determine the role of this variant in disease. Therefore, it has been classified as a Variant of Uncertain Significance.